The following is an entry in ClinVar:

NM_024577.4(SH3TC2):c.75T>A (p.Asp25Glu)

Gene: SH3TC2 (SH3 domain and tetratricopeptide repeats 2; minus strand). Cytogenetic location: 5q32.
Variant type: single nucleotide variant.
Coding change: c.75T>A on transcript NM_024577.4 (MANE Select); coding-DNA position 75, T replaced by A.
Protein change: p.Asp25Glu; replaces aspartic acid 25 with glutamic acid.
Molecular consequence: missense variant.
Genome position (GRCh38, 1-based): chr5:149,052,218, A>T on the plus strand (T>A on the coding strand, the complement: SH3TC2 is on the minus strand). VCF-style: chr5-149052218-A-T. GRCh37 (hg19) VCF-style: chr5-148431781-A-T.
Other names: short protein forms D25E.
Identifiers: ClinVar variation 1416530 (VCV001416530.6), dbSNP rs755164059, ClinGen allele CA3499634.

ClinVar aggregate classification (germline): Uncertain significance. Review status: criteria provided, multiple submitters, no conflicts (2 of 4 stars). 2 submissions from 2 submitters: Uncertain significance (2). Last evaluated 2025-08-05.

Conditions:
Charcot-Marie-Tooth disease type 4. Also called: Charcot-Marie-Tooth disease, type IV; Charcot-Marie-Tooth, Type 4. Identifiers: Orphanet 64749, MedGen C4082197, MONDO:0018995.
Inborn genetic diseases. Identifiers: MedGen C0950123, MeSH D030342.

Allele frequency attached by ClinVar (database versions not stated): gnomAD exomes 0.00001 and 0.00003; ExAC 0.00001.

Submissions (2):

Ambry Genetics
Classification: Uncertain significance for Inborn genetic diseases. Last evaluated: 2025-08-05. Review status: criteria provided, single submitter. Criteria: Ambry Variant Classification Scheme 2023. Collection method: clinical testing. Allele origin: germline.

Labcorp Genetics (formerly Invitae), Labcorp
Classification: Uncertain significance for Charcot-Marie-Tooth disease type 4. Last evaluated: 2022-04-07. Review status: criteria provided, single submitter. Criteria: Invitae Variant Classification Sherloc (09022015). Collection method: clinical testing. Allele origin: germline.
Comment: This sequence change replaces aspartic acid, which is acidic and polar, with glutamic acid, which is acidic and polar, at codon 25 of the SH3TC2 protein (p.Asp25Glu). This variant is present in population databases (rs755164059, gnomAD 0.002%). This variant has not been reported in the literature in individuals affected with SH3TC2-related conditions. Advanced modeling of protein sequence and biophysical properties (such as structural, functional, and spatial information, amino acid conservation, physicochemical variation, residue mobility, and thermodynamic stability) performed at Invitae indicates that this missense variant is not expected to disrupt SH3TC2 protein function. In summary, the available evidence is currently insufficient to determine the role of this variant in disease. Therefore, it has been classified as a Variant of Uncertain Significance.